The following is an entry in ClinVar:

ClinVar aggregate classification (germline): Likely benign (1 of 4 stars; one submission).

Submission:

CeGaT Center for Human Genetics Tuebingen
Classification: Likely benign. Last evaluated: 2026-07-01. Review status: criteria provided, single submitter. Criteria: CeGaT Center For Human Genetics Tuebingen Variant Classification Criteria Version 2. Collection method: clinical testing. Allele origin: germline. Affected: yes. Observed: 1 variant allele.
Comment: DPP9: BP4, BP7

NM_139159.5(DPP9):c.60C>T (p.Phe20=)

Genes: DPP9 (dipeptidyl peptidase 9; minus strand), LOC126862842 (CDK7 strongly-dependent group 2 enhancer GRCh37_chr19:4713085-4714284; plus strand). Cytogenetic location: 19p13.3.
Variant type: single nucleotide variant.
Coding change: c.60C>T on transcript NM_139159.5 (MANE Select); coding-DNA position 60, C replaced by T.
Protein change: p.Phe20=; no amino-acid change (phenylalanine 20 retained).
Molecular consequence: synonymous variant. On other transcripts: 5 prime UTR variant (7), non-coding transcript variant (11).
Genome position (GRCh38, 1-based): chr19:4,714,334, G>A on the plus strand (C>T on the coding strand, the complement: DPP9 is on the minus strand). VCF-style: chr19-4714334-G-A. GRCh37 (hg19) VCF-style: chr19-4714346-G-A.
Other names: c.60C>T, p.Phe20= (NM_001365987.2, NM_001384611.1, NM_001384612.1 and 19 more transcripts); c.-28C>T (NM_001384623.1, NM_001384624.1, NM_001384625.1 and 4 more transcripts).
Identifiers: ClinVar variation 5038611 (VCV005038611.1).